The following is an entry in ClinVar:

ClinVar aggregate classification (germline): Uncertain significance. Review status: criteria provided, multiple submitters, no conflicts (2 of 4 stars). 4 submissions from 4 submitters: Uncertain significance (4). Last evaluated 2026-08-09.

Conditions:
INPP5E-related disorder. Also called: INPP5E-related condition.
Inborn genetic diseases. Identifiers: MedGen C0950123, MeSH D030342.
Joubert syndrome. Also called: Familial aplasia of the vermis; JOUBERT-BOLTSHAUSER SYNDROME. Identifiers: Orphanet 475, MedGen C5979921, MONDO:0018772.
Joubert syndrome 1 (JBTS1). Also called: Cerebellooculorenal syndrome 1; CEREBELLOPARENCHYMAL DISORDER IV. Identifiers: MedGen C4551568, MONDO:0008944, OMIM 213300.
MORM syndrome (MORMS). Identifiers: Orphanet 75858, MedGen C1857802, MONDO:0012423, OMIM 610156.

Allele frequency attached by ClinVar (database versions not stated): TOPMed 0.00009.

Submissions (4):

PreventionGenetics, part of Exact Sciences
Classification: Uncertain significance for INPP5E-related condition. Last evaluated: 2026-08-09. Review status: criteria provided, single submitter. Criteria: ACMG Guidelines, 2015. Collection method: clinical testing. Allele origin: germline.
Comment: The INPP5E c.95C>G variant is predicted to result in the amino acid substitution p.Pro32Arg. To our knowledge, this variant has not been reported in the literature. This variant is reported in 0.019% of alleles in individuals of European (Non-Finnish) descent in gnomAD. At this time, the clinical significance of this variant is uncertain due to the absence of conclusive functional and genetic evidence.

Fulgent Genetics
Classification: Uncertain significance for Joubert syndrome 1; MORM syndrome. Last evaluated: 2024-04-29. Review status: criteria provided, single submitter. Criteria: ACMG Guidelines, 2015. Collection method: clinical testing. Allele origin: germline.

Labcorp Genetics (formerly Invitae), Labcorp
Classification: Uncertain significance for Joubert syndrome. Last evaluated: 2022-09-26. Review status: criteria provided, single submitter. Criteria: Invitae Variant Classification Sherloc (09022015). Collection method: clinical testing. Allele origin: germline.
Comment: This sequence change replaces proline, which is neutral and non-polar, with arginine, which is basic and polar, at codon 32 of the INPP5E protein (p.Pro32Arg). This variant is present in population databases (no rsID available, gnomAD 0.02%). This variant has not been reported in the literature in individuals affected with INPP5E-related conditions. ClinVar contains an entry for this variant (Variation ID: 1000799). Advanced modeling of protein sequence and biophysical properties (such as structural, functional, and spatial information, amino acid conservation, physicochemical variation, residue mobility, and thermodynamic stability) performed at Invitae indicates that this missense variant is not expected to disrupt INPP5E protein function. In summary, the available evidence is currently insufficient to determine the role of this variant in disease. Therefore, it has been classified as a Variant of Uncertain Significance.

Ambry Genetics
Classification: Uncertain significance for Inborn genetic diseases. Last evaluated: 2022-06-27. Review status: criteria provided, single submitter. Criteria: Ambry Variant Classification Scheme 2023. Collection method: clinical testing. Allele origin: germline.

NM_019892.6(INPP5E):c.95C>G (p.Pro32Arg)

Gene: INPP5E (inositol polyphosphate-5-phosphatase E; minus strand). Cytogenetic location: 9q34.3.
Variant type: single nucleotide variant.
Coding change: c.95C>G on transcript NM_019892.6 (MANE Select); coding-DNA position 95, C replaced by G.
Protein change: p.Pro32Arg; replaces proline 32 with arginine.
Molecular consequence: missense variant.
Genome position (GRCh38, 1-based): chr9:136,439,325, G>C on the plus strand (C>G on the coding strand, the complement: INPP5E is on the minus strand). VCF-style: chr9-136439325-G-C. GRCh37 (hg19) VCF-style: chr9-139333777-G-C.
Other names: c.95C>G (NM_019892.4, NM_019892.5); c.95C>G, p.Pro32Arg (NM_001318502.2); short protein forms P32R.
Identifiers: ClinVar variation 1000799 (VCV001000799.10), dbSNP rs1018506310, ClinGen allele CA201649436.
Genomic context (GRCh38, chr9:136,439,325, plus strand): 5'-CAGGCAAGCGCGGGGCTCTCGGAGCCCGGAGCATCGGGTGGGGACCCCGCGCGCTGGGCC[G>C]GCGGAGCGCCGGGAAGCTGTCCTTGGAGCGTCCTCCCTTCCGGCGGCTGCGGGGCCGGCT-3'
Protein context (NP_063945.2, residues 22-42): TLQGQLPGAP[Pro32Arg]AQRAGSPPDA